The following is an entry in ClinVar:

NM_000051.4(ATM):c.5157T>C (p.Asn1719=)

Gene: ATM (ATM serine/threonine kinase; plus strand). Cytogenetic location: 11q22.3.
Variant type: single nucleotide variant.
Coding change: c.5157T>C on transcript NM_000051.4 (MANE Select); coding-DNA position 5157, T replaced by C.
Protein change: p.Asn1719=; no amino-acid change (asparagine 1719 retained).
Molecular consequence: synonymous variant.
Genome position (GRCh38, 1-based): chr11:108,299,865, T>C. VCF-style: chr11-108299865-T-C. GRCh37 (hg19) VCF-style: chr11-108170592-T-C.
Other names: c.5157T>C, p.Asn1719= (NM_001351834.2).
Identifiers: ClinVar variation 186831 (VCV000186831.21), dbSNP rs786203254, ClinGen allele CA195995.

ClinVar aggregate classification (germline): Benign/Likely benign. Review status: criteria provided, multiple submitters, no conflicts (2 of 4 stars). 6 submissions from 6 submitters: Benign (1); Likely benign (5). Last evaluated 2025-12-22.

Conditions:
Familial cancer of breast. Also called: BREAST CANCER, FAMILIAL; Hereditary breast cancer; hereditary breast carcinoma. Identifiers: Orphanet 227535, MedGen C0346153, MONDO:0016419, OMIM 114480. Disease mechanism: loss of function.
Hereditary cancer-predisposing syndrome. Also called: Hereditary Cancer Syndrome; Neoplastic Syndromes, Hereditary; Tumor predisposition; Hereditary neoplastic syndrome. Identifiers: Orphanet 140162, MedGen C0027672, MeSH D009386, MONDO:0015356.
Ataxia-telangiectasia syndrome (AT). Also called: Ataxia-telangiectasia, complementation group D; AT, COMPLEMENTATION GROUP C; ATAXIA-TELANGIECTASIA, COMPLEMENTATION GROUP A; ATAXIA-TELANGIECTASIA, FRESNO VARIANT; Ataxia-telangiectasia; LOUIS-BAR SYNDROME. Identifiers: Orphanet 100, MedGen C0004135, MONDO:0008840, OMIM 208900.

Allele frequency attached by ClinVar (database versions not stated): gnomAD 0.00001; TOPMed 0.00001.
gnomAD v4.1: 9 of 1,613,736 alleles (0.00056%); highest among the groups gnomAD compares: Non-Finnish European, 0.00068%; no homozygotes.

Submissions (6):

Labcorp Genetics (formerly Invitae), Labcorp
Classification: Likely benign for Ataxia-telangiectasia syndrome. Last evaluated: 2025-12-22. Review status: criteria provided, single submitter. Criteria: Invitae Variant Classification Sherloc (09022015). Collection method: clinical testing. Allele origin: germline.

Myriad Genetics, Inc.
Classification: Benign for Familial cancer of breast. Last evaluated: 2024-05-22. Review status: criteria provided, single submitter. Criteria: Myriad Autosomal Dominant, Autosomal Recessive and X-Linked Classification Criteria (2023). Collection method: clinical testing. Allele origin: unknown.
Comment: This variant is considered benign. This variant is a silent/synonymous amino acid change and it is not expected to impact splicing.

Sema4
Classification: Likely benign for Hereditary cancer-predisposing syndrome. Last evaluated: 2020-09-03. Review status: criteria provided, single submitter. Criteria: Sema4 Curation Guidelines. Collection method: curation. Allele origin: germline.

GeneDx
Classification: Likely benign. Last evaluated: 2020-07-20. Review status: criteria provided, single submitter. Criteria: GeneDx Variant Classification Process June 2021. Collection method: clinical testing. Allele origin: germline. Affected: yes.

Color Diagnostics, LLC DBA Color Health
Classification: Likely benign for Hereditary cancer-predisposing syndrome. Last evaluated: 2016-11-22. Review status: criteria provided, single submitter. Criteria: ACMG Guidelines, 2015. Collection method: clinical testing. Allele origin: germline.

Ambry Genetics
Classification: Likely benign for Hereditary cancer-predisposing syndrome. Last evaluated: 2014-10-27. Review status: criteria provided, single submitter. Criteria: Ambry Variant Classification Scheme 2023. Collection method: clinical testing. Allele origin: germline.